The following is an entry in ClinVar:

ClinVar aggregate classification (germline): Uncertain significance (1 of 4 stars; one submission).

Conditions:
Inborn genetic diseases. Identifiers: MedGen C0950123, MeSH D030342.

Submission:

Ambry Genetics
Classification: Uncertain significance for Inborn genetic diseases. Last evaluated: 2024-12-06. Review status: criteria provided, single submitter. Criteria: Ambry Variant Classification Scheme 2023. Collection method: clinical testing. Allele origin: germline.
Comment: The p.K316N variant (also known as c.948G>C), located in coding exon 6 of the G6PC3 gene, results from a G to C substitution at nucleotide position 948. The lysine at codon 316 is replaced by asparagine, an amino acid with similar properties. This amino acid position is conserved. In addition, the in silico prediction for this alteration is inconclusive. Based on the available evidence, the clinical significance of this variant remains unclear.

NM_138387.4(G6PC3):c.948G>C (p.Lys316Asn)

Gene: G6PC3 (glucose-6-phosphatase catalytic subunit 3; plus strand). Cytogenetic location: 17q21.31.
Variant type: single nucleotide variant.
Coding change: c.948G>C on transcript NM_138387.4 (MANE Select); coding-DNA position 948, G replaced by C.
Protein change: p.Lys316Asn; replaces lysine 316 with asparagine.
Molecular consequence: missense variant. On other transcripts: 3 prime UTR variant (1).
Genome position (GRCh38, 1-based): chr17:44,075,950, G>C. VCF-style: chr17-44075950-G-C. GRCh37 (hg19) VCF-style: chr17-42153318-G-C.
Other names: c.*241G>C (NM_001319945.2); c.603G>C, p.Lys201Asn (NM_001384165.1, NM_001384166.1, NM_001384167.1 and 1 more transcripts); short protein forms K316N, K201N.
Identifiers: ClinVar variation 3518075 (VCV003518075.1).